The following is an entry in ClinVar:

ClinVar aggregate classification (germline): Pathogenic. Review status: reviewed by expert panel (3 of 4 stars). 2 submissions from 2 submitters: Pathogenic (1). 1 of the submissions does not count toward it. Last evaluated 2016-10-18.

Conditions:
Breast-ovarian cancer, familial, susceptibility to, 1 (BROVCA1). Also called: BRCA1 Hereditary Breast and Ovarian Cancer; OVARIAN CANCER, SUSCEPTIBILITY TO. Identifiers: Orphanet 145, MedGen C2676676, MONDO:0011450, OMIM 604370. Disease mechanism: loss of function.

Submissions (2):

Evidence-based Network for the Interpretation of Germline Mutant Alleles (ENIGMA)
Classification: Pathogenic for Breast-ovarian cancer, familial, susceptibility to, 1. Last evaluated: 2016-10-18. Review status: reviewed by expert panel. Criteria: ENIGMA BRCA1/2 Classification Criteria (2015). Collection method: curation. Allele origin: germline.
Comment: Variant allele predicted to encode a truncated non-functional protein.

Consortium of Investigators of Modifiers of BRCA1/2 (CIMBA), c/o University of Cambridge
Classification: Pathogenic for Breast-ovarian cancer, familial, susceptibility to, 1. Last evaluated: 2015-10-02. Review status: criteria provided, single submitter. Criteria: CIMBA Mutation Classification guidelines May 2016. Collection method: clinical testing. Allele origin: germline. Not counted in ClinVar's aggregate classification.

NM_007294.4(BRCA1):c.3625_3626insA (p.Leu1209fs)

Genes: BRCA1 (BRCA1 DNA repair associated; minus strand), LOC126862571 (BRD4-independent group 4 enhancer GRCh37_chr17:41243136-41244335; plus strand). Cytogenetic location: 17q21.31.
Variant type: Insertion.
Coding change: c.3625_3626insA on transcript NM_007294.4 (MANE Select); coding-DNA positions 3625 to 3626, A inserted.
Protein change: p.Leu1209fs; shifts the reading frame from leucine 1209.
Molecular consequence: frameshift variant. On other transcripts: intron variant (135).
Genome position: GRCh38 VCF-style: chr17-43091905-A-AT. GRCh37 (hg19) VCF-style: chr17-41243922-A-AT.
Other names: 3744insA-ter1218; c.3502_3503insA, p.Leu1168fs (NM_001407669.1, NM_001407674.1, NM_001407675.1 and 19 more transcripts); c.3499_3500insA, p.Leu1167fs (NM_001407670.1, NM_001407671.1, NM_001407672.1 and 11 more transcripts); c.3625_3626insA, p.Leu1209fs (NM_001407684.1, NM_001407854.1, NM_001407858.1 and 30 more transcripts); c.3484_3485insA, p.Leu1162fs (NM_001407692.1, NM_001407694.1, NM_001407695.1 and 29 more transcripts); c.3481_3482insA, p.Leu1161fs (NM_001407740.1, NM_001407741.1, NM_001407742.1 and 20 more transcripts); c.3412_3413insA, p.Leu1138fs (NM_001407853.1, NM_001407894.1, NM_001407895.1 and 9 more transcripts); c.3622_3623insA, p.Leu1208fs (NM_001407860.1, NM_001407861.1, NM_001407587.1 and 22 more transcripts); and 42 more; short protein forms L1162fs, L1209fs, L1139fs, L1141fs, L341fs, L1121fs, L1142fs, L1167fs.
Identifiers: ClinVar variation 266394 (VCV000266394.6), dbSNP rs886040153, ClinGen allele CA10589733.